The following is an entry in ClinVar:

ClinVar aggregate classification (germline): Uncertain significance (1 of 4 stars; one submission).

gnomAD v4.1: 17 of 1,600,416 alleles (0.0011%); highest among the groups gnomAD compares: Admixed American, 0.0018%; no homozygotes.

Submission:

Ambry Genetics
Classification: Uncertain significance. Last evaluated: 2025-10-02. Review status: criteria provided, single submitter. Criteria: Ambry Variant Classification Scheme 2023. Collection method: clinical testing. Allele origin: germline.
Comment: The c.136A>T (p.M46L) alteration is located in exon 3 (coding exon 2) of the ECT2 gene. This alteration results from a A to T substitution at nucleotide position 136, causing the methionine (M) at amino acid position 46 to be replaced by a leucine (L). Based on data from gnomAD, the T allele has an overall frequency of 0.001% (3/238918) total alleles studied. The highest observed frequency was 0.003% (3/110316) of European (non-Finnish) alleles. Based on insufficient or conflicting evidence, the clinical significance of this alteration remains unclear.

NM_001258315.2(ECT2):c.136A>T (p.Met46Leu)

Gene: ECT2 (epithelial cell transforming 2; plus strand). Cytogenetic location: 3q26.31.
Variant type: single nucleotide variant.
Coding change: c.136A>T on transcript NM_001258315.2 (MANE Select); coding-DNA position 136, A replaced by T.
Protein change: p.Met46Leu; replaces methionine 46 with leucine.
Molecular consequence: missense variant.
Genome position (GRCh38, 1-based): chr3:172,755,300, A>T. VCF-style: chr3-172755300-A-T. GRCh37 (hg19) VCF-style: chr3-172473090-A-T.
Other names: c.136A>T, p.Met46Leu (NM_001258316.2, NM_001349094.2, NM_001349095.2 and 8 more transcripts); c.133A>T, p.Met45Leu (NM_001349097.2, NM_001349102.2); short protein forms M46L, M45L.
Identifiers: ClinVar variation 4662989 (VCV004662989.1).